The following is an entry in ClinVar:

ClinVar aggregate classification (germline): Likely benign (1 of 4 stars; one submission).

gnomAD v4.1: 29 of 1,612,876 alleles (0.0018%); highest among the groups gnomAD compares: Non-Finnish European, 0.0025%; no homozygotes.

Submission:

CeGaT Center for Human Genetics Tuebingen
Classification: Likely benign. Last evaluated: 2026-05-01. Review status: criteria provided, single submitter. Criteria: CeGaT Center For Human Genetics Tuebingen Variant Classification Criteria Version 2. Collection method: clinical testing. Allele origin: germline. Affected: yes. Observed: 1 variant allele.
Comment: SLC4A10: BP4, BP7

NM_001178015.2(SLC4A10):c.234A>G (p.Glu78=)

Gene: SLC4A10 (solute carrier family 4 member 10; plus strand). Cytogenetic location: 2q24.2.
Variant type: single nucleotide variant.
Coding change: c.234A>G on transcript NM_001178015.2 (MANE Select); coding-DNA position 234, A replaced by G.
Protein change: p.Glu78=; no amino-acid change (glutamic acid 78 retained).
Molecular consequence: synonymous variant. On other transcripts: 5 prime UTR variant (1), intron variant (1).
Genome position (GRCh38, 1-based): chr2:161,804,552, A>G. VCF-style: chr2-161804552-A-G. GRCh37 (hg19) VCF-style: chr2-162661062-A-G.
Other names: c.267A>G, p.Glu89= (NM_001178016.2, NM_001354441.2, NM_001354442.2 and 2 more transcripts); c.234A>G, p.Glu78= (NM_001354440.2, NM_001354444.2, NM_001354446.2 and 4 more transcripts); c.270A>G, p.Glu90= (NM_001354443.2, NM_001354447.2, NM_001354460.2 and 1 more transcripts); c.-452A>G (NM_001354455.2); c.130+33498A>G (NM_001354453.2).
Identifiers: ClinVar variation 4873679 (VCV004873679.2).